The following is an entry in ClinVar:

ClinVar aggregate classification (germline): Uncertain significance (1 of 4 stars; one submission).

Conditions:
RASopathy. Also called: rasopathies; Noonan spectrum disorder. Identifiers: Orphanet 536391, MedGen C5555857, MONDO:0021060.

Submission:

Labcorp Genetics (formerly Invitae), Labcorp
Classification: Uncertain significance for RASopathy. Last evaluated: 2022-06-28. Review status: criteria provided, single submitter. Criteria: Invitae Variant Classification Sherloc (09022015). Collection method: clinical testing. Allele origin: germline.
Comment: This sequence change replaces aspartic acid, which is acidic and polar, with glutamic acid, which is acidic and polar, at codon 44 of the RAF1 protein (p.Asp44Glu). This variant is not present in population databases (gnomAD no frequency). In summary, the available evidence is currently insufficient to determine the role of this variant in disease. Therefore, it has been classified as a Variant of Uncertain Significance. Advanced modeling of protein sequence and biophysical properties (such as structural, functional, and spatial information, amino acid conservation, physicochemical variation, residue mobility, and thermodynamic stability) performed at Invitae indicates that this missense variant is not expected to disrupt RAF1 protein function. This variant has not been reported in the literature in individuals affected with RAF1-related conditions.

NM_002880.4(RAF1):c.132T>A (p.Asp44Glu)

Gene: RAF1 (Raf-1 proto-oncogene, serine/threonine kinase; minus strand). Cytogenetic location: 3p25.2.
Variant type: single nucleotide variant.
Coding change: c.132T>A on transcript NM_002880.4 (MANE Select); coding-DNA position 132, T replaced by A.
Protein change: p.Asp44Glu; replaces aspartic acid 44 with glutamic acid.
Molecular consequence: missense variant. On other transcripts: initiator codon variant (4), non-coding transcript variant (3).
Genome position (GRCh38, 1-based): chr3:12,618,590, A>T on the plus strand (T>A on the coding strand, the complement: RAF1 is on the minus strand). VCF-style: chr3-12618590-A-T. GRCh37 (hg19) VCF-style: chr3-12660089-A-T.
Other names: c.132T>A, p.Asp44Glu (NM_001354689.3, NM_001354690.3, NM_001354693.3); c.2T>A, p.Met1Lys (NM_001354691.3, NM_001354692.3, NM_001354694.3 and 1 more transcripts); short protein forms D44E, M1K.
Identifiers: ClinVar variation 2011260 (VCV002011260.5), dbSNP rs2470447219, ClinGen allele CA351485009.